The following is an entry in ClinVar:

ClinVar aggregate classification (germline): Uncertain significance (1 of 4 stars; one submission).

Submission:

Labcorp Genetics (formerly Invitae), Labcorp
Classification: Uncertain significance. Last evaluated: 2019-11-11. Review status: criteria provided, single submitter. Criteria: Invitae Variant Classification Sherloc (09022015). Collection method: clinical testing. Allele origin: germline.
Comment: This variant results in a copy number gain of the genomic region encompassing exons 14-22 of the PDE6A gene. The 5' boundary is likely confined to intron 13. The 3' end of this event is unknown as it extends beyond the assayed region for this gene and therefore may encompass additional genes. As the precise location of this event is unknown, it may be in tandem or it may be located elsewhere in the genome. This variant has not been reported in the literature in individuals with PDE6A-related conditions. In summary, the available evidence is currently insufficient to determine the role of this variant in disease. Therefore, it has been classified as a Variant of Uncertain Significance.

NC_000005.10:g.(?_149860895)_(149886374_?)dup

Gene: PDE6A (phosphodiesterase 6A; minus strand). Cytogenetic location: 5q32.
Variant type: Duplication.
Identifiers: ClinVar variation 833407 (VCV000833407.1).